The following is an entry in ClinVar:

NM_020680.4(SCYL1):c.1142A>G (p.Asp381Gly)

Gene: SCYL1 (SCY1 like pseudokinase 1; plus strand). Cytogenetic location: 11q13.1.
Variant type: single nucleotide variant.
Coding change: c.1142A>G on transcript NM_020680.4 (MANE Select); coding-DNA position 1142, A replaced by G.
Protein change: p.Asp381Gly; replaces aspartic acid 381 with glycine.
Molecular consequence: missense variant. On other transcripts: intron variant (1).
Genome position (GRCh38, 1-based): chr11:65,532,717, A>G. VCF-style: chr11-65532717-A-G. GRCh37 (hg19) VCF-style: chr11-65300188-A-G.
Other names: p.Asp381Gly; c.1142A>G, p.Asp381Gly (NM_001048218.2, NM_001411022.1, NM_001425179.1 and 17 more transcripts); c.1139A>G, p.Asp380Gly (NM_001425180.1, NM_001425183.1); c.1058A>G, p.Asp353Gly (NM_001425189.1); c.887A>G, p.Asp296Gly (NM_001425199.1); c.878A>G, p.Asp293Gly (NM_001425200.1); c.713A>G, p.Asp238Gly (NM_001425203.1, NM_001425204.1, NM_001425205.1 and 2 more transcripts); c.530A>G, p.Asp177Gly (NM_001425208.1, NM_001425209.1, NM_001425210.1 and 1 more transcripts); and 1 more; short protein forms D177G, D238G, D293G, D296G, D353G, D380G, D381G.
Identifiers: ClinVar variation 4683632 (VCV004683632.2).
Genomic context (GRCh38, chr11:65,532,717, plus strand): 5'-CTGACCATGTTGACGCATCCCAACCTGGGCCACAGATGGAGCAGTTCATCCAGTACCTTG[A>G]CGAGCCAACAGTCAACACCCAGATCTTCCCCCACGTCGTACATGGCTTCCTGGACACCAA-3'
Protein context (NP_065731.3, residues 371-391): QQMEQFIQYL[Asp381Gly]EPTVNTQIFP

ClinVar aggregate classification (germline): Likely benign. Review status: criteria provided, multiple submitters, no conflicts (2 of 4 stars). 2 submissions from 2 submitters: Likely benign (2). Last evaluated 2025-10-08.

gnomAD v4.1: 205 of 1,614,036 alleles (0.013%); highest among the groups gnomAD compares: South Asian, 0.21%; 1 homozygote.

Submissions (2):

Mayo Clinic Laboratories, Mayo Clinic
Classification: Likely benign. Last evaluated: 2025-10-08. Review status: criteria provided, single submitter. Criteria: ACMG Guidelines, 2015. Collection method: clinical testing. Allele origin: germline. Observed: 2 variant alleles.
Comment: BS1, BP4_moderate

Labcorp Genetics (formerly Invitae), Labcorp
Classification: Likely benign. Last evaluated: 2025-09-22. Review status: criteria provided, single submitter. Criteria: Invitae Variant Classification Sherloc (09022015). Collection method: clinical testing. Allele origin: germline.